The following is an entry in ClinVar:

NM_000522.5(HOXA13):c.448G>A (p.Ala150Thr)

Genes: HOXA13 (homeobox A13; minus strand), LOC107126288 (NUP98-HOXA13 recombination region; plus strand). Cytogenetic location: 7p15.2.
Variant type: single nucleotide variant.
Coding change: c.448G>A on transcript NM_000522.5 (MANE Select); coding-DNA position 448, G replaced by A.
Protein change: p.Ala150Thr; replaces alanine 150 with threonine.
Molecular consequence: missense variant.
Genome position (GRCh38, 1-based): chr7:27,199,630, C>T on the plus strand (G>A on the coding strand, the complement: HOXA13 is on the minus strand). VCF-style: chr7-27199630-C-T. GRCh37 (hg19) VCF-style: chr7-27239249-C-T.
Other names: c.448G>A (NM_000522.4); short protein forms A150T.
Identifiers: ClinVar variation 1946001 (VCV001946001.7), dbSNP rs1784064176, ClinGen allele CA367073466.

ClinVar aggregate classification (germline): Uncertain significance. Review status: criteria provided, multiple submitters, no conflicts (2 of 4 stars). 3 submissions from 3 submitters: Uncertain significance (3). Last evaluated 2024-07-27.

Conditions:
Guttmacher syndrome. Identifiers: Orphanet 2957, MedGen C1867801, MONDO:0008301, OMIM 176305.
Hand-foot-genital syndrome (HFG). Also called: HFU syndrome; HFG syndrome; Hand-Foot-Uterus Syndrome. Identifiers: Orphanet 2438, MedGen C1841679, MONDO:0007698, OMIM 140000.
Inborn genetic diseases. Identifiers: MedGen C0950123, MeSH D030342.

Allele frequency attached by ClinVar (database versions not stated): gnomAD exomes 0.00001.

Submissions (3):

Ambry Genetics
Classification: Uncertain significance for Inborn genetic diseases. Last evaluated: 2024-07-27. Review status: criteria provided, single submitter. Criteria: Ambry Variant Classification Scheme 2023. Collection method: clinical testing. Allele origin: germline.

Fulgent Genetics
Classification: Uncertain significance for Hand-foot-genital syndrome; Guttmacher syndrome. Last evaluated: 2024-04-07. Review status: criteria provided, single submitter. Criteria: ACMG Guidelines, 2015. Collection method: clinical testing. Allele origin: germline.

Labcorp Genetics (formerly Invitae), Labcorp
Classification: Uncertain significance. Last evaluated: 2022-06-20. Review status: criteria provided, single submitter. Criteria: Invitae Variant Classification Sherloc (09022015). Collection method: clinical testing. Allele origin: germline.
Comment: In summary, the available evidence is currently insufficient to determine the role of this variant in disease. Therefore, it has been classified as a Variant of Uncertain Significance. Algorithms developed to predict the effect of missense changes on protein structure and function are either unavailable or do not agree on the potential impact of this missense change (SIFT: "Tolerated"; PolyPhen-2: "Not Available"; Align-GVGD: "Class C0"). This variant has not been reported in the literature in individuals affected with HOXA13-related conditions. The frequency data for this variant in the population databases is considered unreliable, as metrics indicate insufficient coverage at this position in the gnomAD database. This sequence change replaces alanine, which is neutral and non-polar, with threonine, which is neutral and polar, at codon 150 of the HOXA13 protein (p.Ala150Thr).